The following is an entry in ClinVar:

ClinVar aggregate classification (germline): Uncertain significance (1 of 4 stars; one submission).

Conditions:
Rubinstein-Taybi syndrome (RSTS). Identifiers: Orphanet 783, MedGen C0035934, MONDO:0019188.

gnomAD v4.1: 2 of 1,612,668 alleles (0.00012%); highest among the groups gnomAD compares: East Asian, 0.0045%; no homozygotes.

Submission:

Labcorp Genetics (formerly Invitae), Labcorp
Classification: Uncertain significance for Rubinstein-Taybi syndrome. Last evaluated: 2024-08-15. Review status: criteria provided, single submitter. Criteria: Invitae Variant Classification Sherloc (09022015). Collection method: clinical testing. Allele origin: germline.
Comment: This sequence change replaces isoleucine, which is neutral and non-polar, with serine, which is neutral and polar, at codon 2062 of the CREBBP protein (p.Ile2062Ser). This variant is not present in population databases (gnomAD no frequency). This variant has not been reported in the literature in individuals affected with CREBBP-related conditions. Invitae Evidence Modeling of protein sequence and biophysical properties (such as structural, functional, and spatial information, amino acid conservation, physicochemical variation, residue mobility, and thermodynamic stability) indicates that this missense variant is not expected to disrupt CREBBP protein function with a negative predictive value of 95%. In summary, the available evidence is currently insufficient to determine the role of this variant in disease. Therefore, it has been classified as a Variant of Uncertain Significance.

NM_004380.3(CREBBP):c.6185T>G (p.Ile2062Ser)

Gene: CREBBP (CREB binding lysine acetyltransferase; minus strand). Cytogenetic location: 16p13.3.
Variant type: single nucleotide variant.
Coding change: c.6185T>G on transcript NM_004380.3 (MANE Select); coding-DNA position 6185, T replaced by G.
Protein change: p.Ile2062Ser; replaces isoleucine 2062 with serine.
Molecular consequence: missense variant.
Genome position (GRCh38, 1-based): chr16:3,728,862, A>C on the plus strand (T>G on the coding strand, the complement: CREBBP is on the minus strand). VCF-style: chr16-3728862-A-C. GRCh37 (hg19) VCF-style: chr16-3778863-A-C.
Other names: c.6071T>G, p.Ile2024Ser (NM_001079846.1); short protein forms I2062S, I2024S.
Identifiers: ClinVar variation 3691830 (VCV003691830.2).